The following is an entry in ClinVar:

ClinVar aggregate classification (germline): Benign/Likely benign. Review status: criteria provided, multiple submitters, no conflicts (2 of 4 stars). 2 submissions from 2 submitters: Benign (1); Likely benign (1). Last evaluated 2025-05-01.

Allele frequency attached by ClinVar (database versions not stated): TOPMed below 0.00001; gnomAD 0.00001 and 0.00003; gnomAD exomes 0.00001 and 0.00005; ExAC 0.00002; 1000 Genomes Project 30x 0.00042; 1000 Genomes Project 0.00053.
gnomAD v4.1: 10 of 1,201,870 alleles (0.00083%); highest among the groups gnomAD compares: East Asian, 0.03%; no homozygotes.

Submissions (2):

CeGaT Center for Human Genetics Tuebingen
Classification: Likely benign. Last evaluated: 2025-05-01. Review status: criteria provided, single submitter. Criteria: CeGaT Center For Human Genetics Tuebingen Variant Classification Criteria Version 2. Collection method: clinical testing. Allele origin: germline. Affected: yes. Observed: 1 variant allele.
Comment: DDX3X: BP4

Labcorp Genetics (formerly Invitae), Labcorp
Classification: Benign. Last evaluated: 2024-10-24. Review status: criteria provided, single submitter. Criteria: Invitae Variant Classification Sherloc (09022015). Collection method: clinical testing. Allele origin: germline.

NM_001356.5(DDX3X):c.1909+11T>C

Gene: DDX3X (DEAD-box helicase 3 X-linked; plus strand). Cytogenetic location: Xp11.4.
Variant type: single nucleotide variant.
Coding change: c.1909+11T>C on transcript NM_001356.5 (MANE Select); 11 bases into the intron after coding-DNA position 1909, T replaced by C.
Molecular consequence: intron variant.
Genome position (GRCh38, 1-based): chrX:41,347,462, T>C. VCF-style: chrX-41347462-T-C. GRCh37 (hg19) VCF-style: chrX-41206715-T-C.
Other names: c.1906+11T>C (NM_001193416.3); c.1861+11T>C (NM_001193417.3); c.1348+11T>C (NM_001363819.1).
Identifiers: ClinVar variation 1636215 (VCV001636215.18), dbSNP rs772902981, ClinGen allele CA10389726.